The following is an entry in ClinVar:

ClinVar aggregate classification (germline): Uncertain significance (1 of 4 stars; one submission).

Conditions:
Inborn genetic diseases. Identifiers: MedGen C0950123, MeSH D030342.

Submission:

Ambry Genetics
Classification: Uncertain significance for Inborn genetic diseases. Last evaluated: 2025-02-10. Review status: criteria provided, single submitter. Criteria: Ambry Variant Classification Scheme 2023. Collection method: clinical testing. Allele origin: germline.
Comment: The c.1200_1205delGCCCTC variant (also known as p.P401_S402del) is located in coding exon 8 of the RUNX1 gene. This variant results from an in-frame GCCCTC deletion at nucleotide positions 1200 to 1205. This results in the in-frame deletion of two amino acids at codons 401 and 402. This amino acid region is well conserved in available vertebrate species. In addition, this alteration is predicted to be deleterious by in silico analysis (Choi Y et al. PLoS ONE. 2012; 7(10):e46688). Based on the available evidence, the clinical significance of this variant remains unclear.

NM_001754.5(RUNX1):c.1200_1205del (p.Pro401_Ser402del)

Gene: RUNX1 (RUNX family transcription factor 1; minus strand). Cytogenetic location: 21q22.12.
Variant type: Deletion.
Coding change: c.1200_1205del on transcript NM_001754.5 (MANE Select); coding-DNA positions 1200 to 1205, 6 bases deleted (GCCCTC; older notation c.1200_1205delGCCCTC).
Protein change: p.Pro401_Ser402del.
Molecular consequence: inframe deletion. On other transcripts: inframe indel (1).
Genome position (GRCh38, 1-based): chr21:34,792,373-34,792,378, GAGGGC deleted on the plus strand (GCCCTC on the coding strand, the reverse complement: RUNX1 is on the minus strand); deleting any 6 consecutive bases within chr21:34,792,373-34,792,381 gives the same sequence; the c. name uses the placement nearest the transcript's 3' end. VCF-style (leftmost placement, unchanged base first): chr21-34792372-GGAGGGC-G. GRCh37 (hg19) VCF-style: chr21-36164669-GGAGGGC-G.
Other names: c.1119_1124del, p.Pro374_Ser375del (NM_001001890.3); c.1200_1205delGCCCTC (NM_001754.4).
Identifiers: ClinVar variation 3791490 (VCV003791490.1).
Genomic context (GRCh38, chr21:34,792,372, plus strand): 5'-CTCGCCGCCCACCATGGAGAACTGGTAGGAGCCGGCCGAGGCGCCGTAGTACAGGTGGTA[GGAGGGC>G]GAGCTGGCTTGGAACGGGCCTCCCTGCGCTTGCGACGAGCCGGGGTAGGGCGGCGGCAGG-3'